The following is an entry in ClinVar:

NM_017617.5(NOTCH1):c.4794C>T (p.Arg1598=)

Gene: NOTCH1 (notch receptor 1; minus strand). Cytogenetic location: 9q34.3.
Variant type: single nucleotide variant.
Coding change: c.4794C>T on transcript NM_017617.5 (MANE Select); coding-DNA position 4794, C replaced by T.
Protein change: p.Arg1598=; no amino-acid change (arginine 1598 retained).
Molecular consequence: synonymous variant.
Genome position (GRCh38, 1-based): chr9:136,504,897, G>A on the plus strand (C>T on the coding strand, the complement: NOTCH1 is on the minus strand). VCF-style: chr9-136504897-G-A. GRCh37 (hg19) VCF-style: chr9-139399349-G-A.
Other names: c.4794C>T, p.Arg1598= (LRG_1122t1).
Identifiers: ClinVar variation 415422 (VCV000415422.34), dbSNP rs558708604, ClinGen allele CA16612578.
Genomic context (GRCh38, chr9:136,504,897, plus strand): 5'-GGGGAAGATCATCTGCTGGCCGTGTGCGTCACGCTTGAAGACCACGTTGGTGTGCAGCAC[G>A]CGGCTGAGCTCCCGCAGGAAGTGGAAGGAGCTGTTGCGCAGCTGCTCCGGCGGCATCAGC-3'
Protein context (NP_060087.3, residues 1588-1608): SSFHFLRELS[Arg1598=]VLHTNVVFKR

ClinVar aggregate classification (germline): Likely benign. Review status: criteria provided, multiple submitters, no conflicts (2 of 4 stars). 3 submissions from 3 submitters: Likely benign (3). Last evaluated 2025-09-22.

Conditions:
Adams-Oliver syndrome 5 (AOS5). Identifiers: Orphanet 974, MedGen C4014970, MONDO:0014459, OMIM 616028.
Familial thoracic aortic aneurysm and aortic dissection (TAAD). Also called: Thoracic aortic aneurysms and dissections. Identifiers: Orphanet 91387, MedGen C4707243, MONDO:0019625.

Allele frequency attached by ClinVar (database versions not stated): gnomAD 0.00003; TOPMed 0.00006.
gnomAD v4.1: 67 of 1,585,026 alleles (0.0042%); highest among the groups gnomAD compares: Non-Finnish European, 0.0052%; no homozygotes.

Submissions (3):

Labcorp Genetics (formerly Invitae), Labcorp
Classification: Likely benign for Adams-Oliver syndrome 5. Last evaluated: 2025-09-22. Review status: criteria provided, single submitter. Criteria: Invitae Variant Classification Sherloc (09022015). Collection method: clinical testing. Allele origin: germline.

CeGaT Center for Human Genetics Tuebingen
Classification: Likely benign. Last evaluated: 2023-04-01. Review status: criteria provided, single submitter. Criteria: CeGaT Center For Human Genetics Tuebingen Variant Classification Criteria Version 2. Collection method: clinical testing. Allele origin: germline. Affected: yes. Observed: 1 variant allele.
Comment: NOTCH1: BP4, BP7

Ambry Genetics
Classification: Likely benign for Familial thoracic aortic aneurysm and aortic dissection. Last evaluated: 2022-09-02. Review status: criteria provided, single submitter. Criteria: Ambry Variant Classification Scheme 2023. Collection method: clinical testing. Allele origin: germline.